The following is an entry in ClinVar:

NM_000128.4(F11):c.117delinsACT (p.Phe39fs)

Gene: F11 (coagulation factor XI; plus strand). Cytogenetic location: 4q35.2.
Variant type: Indel.
Coding change: c.117delinsACT on transcript NM_000128.4 (MANE Select); coding-DNA position 117, C replaced by ACT.
Protein change: p.Phe39fs; shifts the reading frame from phenylalanine 39.
Molecular consequence: frameshift variant.
Genome position (GRCh38, 1-based): chr4:186,271,670, C replaced by ACT. VCF-style: chr4-186271670-C-ACT. GRCh37 (hg19) VCF-style: chr4-187192824-C-ACT.
Other names: c.117delinsACT, p.Phe39fs (NM_001354804.2, NM_001440590.1, NM_001440593.1 and 5 more transcripts); short protein forms F39fs.
Identifiers: ClinVar variation 5013486 (VCV005013486.1).
Genomic context (GRCh38, chr4:186,271,670, plus strand): 5'-ATGTGTGACTCAGTTGTTGAAGGACACCTGCTTTGAAGGAGGGGACATTACTACGGTCTT[C>ACT]ACACCAAGCGCCAAGTACTGCCAGGTAGTCTGCACTTACCACCCAAGATGTTTACTCTTC-3'

ClinVar aggregate classification (germline): Pathogenic (1 of 4 stars; one submission).

Conditions:
Hereditary factor XI deficiency disease. Also called: PLASMA THROMBOPLASTIN ANTECEDENT DEFICIENCY; PTA DEFICIENCY; ROSENTHAL SYNDROME; Congenital factor XI deficiency. Identifiers: Orphanet 329, MedGen C0015523, MeSH D005173, MONDO:0012897, OMIM 612416.

Submission:

Myriad Genetics, Inc.
Classification: Pathogenic for Hereditary factor XI deficiency disease. Last evaluated: 2024-08-23. Review status: criteria provided, single submitter. Criteria: Myriad Autosomal Dominant, Autosomal Recessive and X-Linked Classification Criteria (2023). Collection method: clinical testing. Allele origin: unknown.
Comment: NM_000128.3(F11):c.117delCinsACT(F39Lfs*11) is expected to be pathogenic in the context of factor XI deficiency. This variant is predicted to lead to an abnormal or absent protein product due to the creation of a premature termination codon in F11, a gene where loss-of-function variants are known to be pathogenic. Please note: this variant was assessed in the context of healthy population screening.